The following is an entry in ClinVar:

ClinVar aggregate classification (germline): Uncertain significance (1 of 4 stars; one submission).

Submission:

GeneDx
Classification: Uncertain significance. Last evaluated: 2024-02-01. Review status: criteria provided, single submitter. Criteria: GeneDx Variant Classification Process June 2021. Collection method: clinical testing. Allele origin: germline. Affected: yes.
Comment: Not observed at significant frequency in large population cohorts (gnomAD); In silico analysis supports that this missense variant has a deleterious effect on protein structure/function; Has not been previously published as pathogenic or benign to our knowledge

NM_001130438.3(SPTAN1):c.2771C>G (p.Ser924Cys)

Gene: SPTAN1 (spectrin alpha, non-erythrocytic 1; plus strand). Cytogenetic location: 9q34.11.
Variant type: single nucleotide variant.
Coding change: c.2771C>G on transcript NM_001130438.3 (MANE Select); coding-DNA position 2771, C replaced by G.
Protein change: p.Ser924Cys; replaces serine 924 with cysteine.
Molecular consequence: missense variant.
Genome position (GRCh38, 1-based): chr9:128,585,958, C>G. VCF-style: chr9-128585958-C-G. GRCh37 (hg19) VCF-style: chr9-131348237-C-G.
Other names: c.2771C>G, p.Ser924Cys (NM_001195532.2, NM_001363759.2, NM_001363765.2 and 5 more transcripts); c.2807C>G, p.Ser936Cys (NM_001375312.2, NM_001375318.1); short protein forms S924C, S936C.
Identifiers: ClinVar variation 3368752 (VCV003368752.1).